The following is an entry in ClinVar:

ClinVar aggregate classification (germline): Uncertain significance. Review status: criteria provided, multiple submitters, no conflicts (2 of 4 stars). 2 submissions from 2 submitters: Uncertain significance (2). Last evaluated 2025-03-17.

Submissions (2):

Labcorp Genetics (formerly Invitae), Labcorp
Classification: Uncertain significance. Last evaluated: 2025-03-17. Review status: criteria provided, single submitter. Criteria: Invitae Variant Classification Sherloc (09022015). Collection method: clinical testing. Allele origin: germline.
Comment: This variant, c.420_422del, results in the deletion of 1 amino acid(s) of the MTFMT protein (p.Gly141del), but otherwise preserves the integrity of the reading frame. This variant is not present in population databases (gnomAD no frequency). This variant has not been reported in the literature in individuals affected with MTFMT-related conditions. ClinVar contains an entry for this variant (Variation ID: 2167908). Experimental studies and prediction algorithms are not available or were not evaluated, and the functional significance of this variant is currently unknown. Algorithms developed to predict the effect of sequence changes on RNA splicing suggest that this variant may disrupt the consensus splice site. In summary, the available evidence is currently insufficient to determine the role of this variant in disease. Therefore, it has been classified as a Variant of Uncertain Significance.

Blueprint Genetics
Classification: Uncertain significance. Last evaluated: 2022-07-29. Review status: criteria provided, single submitter. Criteria: ACMG Guidelines, 2015. Collection method: clinical testing. Allele origin: germline.

NC_000015.10:g.65023793_65023795del

Gene: MTFMT (mitochondrial methionyl-tRNA formyltransferase; minus strand). Cytogenetic location: 15q22.31.
Variant type: Deletion.
Genome position: GRCh38 VCF-style: chr15-65023791-GCCA-G. GRCh37 (hg19) VCF-style: chr15-65316129-GCCA-G.
Identifiers: ClinVar variation 2167908 (VCV002167908.6), dbSNP rs2086396522, ClinGen allele CA912992460.